The following is an entry in ClinVar:

ClinVar aggregate classification (germline): Uncertain significance (1 of 4 stars; one submission).

Conditions:
Spastic paraplegia. Identifiers: MedGen C0037772, HP:0001258.

Allele frequency attached by ClinVar (database versions not stated): gnomAD exomes below 0.00001; TOPMed below 0.00001.
gnomAD v4.1: 1 of 1,613,584 alleles (0.000062%); highest among the groups gnomAD compares: Non-Finnish European, 0.000085%; no homozygotes.

Submission:

Labcorp Genetics (formerly Invitae), Labcorp
Classification: Uncertain significance for Spastic paraplegia. Last evaluated: 2021-09-05. Review status: criteria provided, single submitter. Criteria: Invitae Variant Classification Sherloc (09022015). Collection method: clinical testing. Allele origin: germline.
Comment: In summary, the available evidence is currently insufficient to determine the role of this variant in disease. Therefore, it has been classified as a Variant of Uncertain Significance. Algorithms developed to predict the effect of missense changes on protein structure and function are either unavailable or do not agree on the potential impact of this missense change (SIFT: "Deleterious"; PolyPhen-2: "Benign"; Align-GVGD: "Class C0"). This variant has not been reported in the literature in individuals affected with HSPD1-related conditions. This variant is not present in population databases (ExAC no frequency). This sequence change replaces isoleucine with threonine at codon 519 of the HSPD1 protein (p.Ile519Thr). The isoleucine residue is moderately conserved and there is a moderate physicochemical difference between isoleucine and threonine.

NM_002156.5(HSPD1):c.1556T>C (p.Ile519Thr)

Gene: HSPD1 (heat shock protein family D (Hsp60) member 1; minus strand). Cytogenetic location: 2q33.1.
Variant type: single nucleotide variant.
Coding change: c.1556T>C on transcript NM_002156.5 (MANE Select); coding-DNA position 1556, T replaced by C.
Protein change: p.Ile519Thr; replaces isoleucine 519 with threonine.
Molecular consequence: missense variant.
Genome position (GRCh38, 1-based): chr2:197,487,871, A>G on the plus strand (T>C on the coding strand, the complement: HSPD1 is on the minus strand). VCF-style: chr2-197487871-A-G. GRCh37 (hg19) VCF-style: chr2-198352595-A-G.
Other names: c.1556T>C, p.Ile519Thr (NM_199440.2); short protein forms I519T.
Identifiers: ClinVar variation 1476590 (VCV001476590.6), dbSNP rs2086045656, ClinGen allele CA350198121.